The following is an entry in ClinVar:

ClinVar aggregate classification (germline): Likely benign. Review status: criteria provided, multiple submitters, no conflicts (2 of 4 stars). 2 submissions from 2 submitters: Likely benign (2). Last evaluated 2026-04-01.

Conditions:
Immunodeficiency 39 (IMD39). Identifiers: Orphanet 574918, MedGen C4225358, MONDO:0014597, OMIM 616345.

Allele frequency attached by ClinVar (database versions not stated): TOPMed 0.00005.
gnomAD v4.1: 89 of 1,608,274 alleles (0.0055%); highest among the groups gnomAD compares: Middle Eastern, 0.033%; no homozygotes.

Submissions (2):

CeGaT Center for Human Genetics Tuebingen
Classification: Likely benign. Last evaluated: 2026-04-01. Review status: criteria provided, single submitter. Criteria: CeGaT Center For Human Genetics Tuebingen Variant Classification Criteria Version 2. Collection method: clinical testing. Allele origin: germline. Affected: yes. Observed: 1 variant allele.
Comment: IRF7: BP4, BP7

Labcorp Genetics (formerly Invitae), Labcorp
Classification: Likely benign for Immunodeficiency 39. Last evaluated: 2025-10-21. Review status: criteria provided, single submitter. Criteria: Invitae Variant Classification Sherloc (09022015). Collection method: clinical testing. Allele origin: germline.

NM_001572.5(IRF7):c.1158C>T (p.Ser386=)

Gene: IRF7 (interferon regulatory factor 7; minus strand). Cytogenetic location: 11p15.5.
Variant type: single nucleotide variant.
Coding change: c.1158C>T on transcript NM_001572.5 (MANE Select); coding-DNA position 1158, C replaced by T.
Protein change: p.Ser386=; no amino-acid change (serine 386 retained).
Molecular consequence: synonymous variant.
Genome position (GRCh38, 1-based): chr11:613,285, G>A on the plus strand (C>T on the coding strand, the complement: IRF7 is on the minus strand). VCF-style: chr11-613285-G-A. GRCh37 (hg19) VCF-style: chr11-613285-G-A.
Other names: c.1071C>T, p.Ser357= (NM_004029.4); c.1197C>T, p.Ser399= (NM_004031.4).
Identifiers: ClinVar variation 1621833 (VCV001621833.10), dbSNP rs764450622, ClinGen allele CA5783565.